The following is an entry in ClinVar:

ClinVar aggregate classification (germline): Uncertain significance (1 of 4 stars; one submission).

Allele frequency attached by ClinVar (database versions not stated): gnomAD 0.00007; gnomAD exomes 0.00007; TOPMed 0.00009; ExAC 0.00016; 1000 Genomes Project 0.00020; 1000 Genomes Project 30x 0.00062.
gnomAD v4.1: 111 of 1,609,188 alleles (0.0069%); highest among the groups gnomAD compares: Admixed American, 0.049%; no homozygotes.

Submission:

Labcorp Genetics (formerly Invitae), Labcorp
Classification: Uncertain significance. Last evaluated: 2022-04-11. Review status: criteria provided, single submitter. Criteria: Invitae Variant Classification Sherloc (09022015). Collection method: clinical testing. Allele origin: germline.
Comment: This variant has not been reported in the literature in individuals affected with SNX14-related conditions. This variant is present in population databases (rs183469743, gnomAD 0.1%). This sequence change replaces methionine, which is neutral and non-polar, with valine, which is neutral and non-polar, at codon 726 of the SNX14 protein (p.Met726Val). Algorithms developed to predict the effect of missense changes on protein structure and function (SIFT, PolyPhen-2, Align-GVGD) all suggest that this variant is likely to be tolerated. In summary, the available evidence is currently insufficient to determine the role of this variant in disease. Therefore, it has been classified as a Variant of Uncertain Significance.

NM_153816.6(SNX14):c.2176A>G (p.Met726Val)

Gene: SNX14 (sorting nexin 14; minus strand). Cytogenetic location: 6q14.3.
Variant type: single nucleotide variant.
Coding change: c.2176A>G on transcript NM_153816.6 (MANE Select); coding-DNA position 2176, A replaced by G.
Protein change: p.Met726Val; replaces methionine 726 with valine.
Molecular consequence: missense variant. On other transcripts: non-coding transcript variant (6).
Genome position (GRCh38, 1-based): chr6:85,517,848, T>C on the plus strand (A>G on the coding strand, the complement: SNX14 is on the minus strand). VCF-style: chr6-85517848-T-C. GRCh37 (hg19) VCF-style: chr6-86227566-T-C.
Other names: c.2149A>G, p.Met717Val (NM_001297614.3, NM_001350541.2); c.2020A>G, p.Met674Val (NM_001304479.2); c.2239A>G, p.Met747Val (NM_001350532.2); c.2173A>G, p.Met725Val (NM_001350533.2, NM_001350535.2); c.2146A>G, p.Met716Val (NM_001350534.2); c.2044A>G, p.Met682Val (NM_001350536.2); c.2041A>G, p.Met681Val (NM_001350537.2); c.2032A>G, p.Met678Val (NM_001350538.2); and 9 more; short protein forms M341V, M674V, M716V, M726V, M747V, M626V, M681V, M725V.
Identifiers: ClinVar variation 2166147 (VCV002166147.4), dbSNP rs183469743, ClinGen allele CA3911925.
Genomic context (GRCh38, chr6:85,517,848, plus strand): 5'-TGGTCAGTTCTGGTCTACTTGGTTTAGGCTTTGGAGACTCACAAGAATTAATGAAATTCA[T>C]GATAAAAGGTTCCAAATGCTGACCTTTCTGTGGTGATAGATTATTGTAAGAAAATAAAAA-3'
Protein context (NP_722523.1, residues 716-736): EKGQHLEPFI[Met726Val]NFINSCESPK